The following is an entry in ClinVar:

ClinVar aggregate classification (germline): Uncertain significance (1 of 4 stars; one submission).

Allele frequency attached by ClinVar (database versions not stated): gnomAD exomes 0.00001; TOPMed 0.00001; gnomAD 0.00001; ExAC 0.00002.
gnomAD v4.1: 17 of 1,597,062 alleles (0.0011%); highest among the groups gnomAD compares: South Asian, 0.0045%; no homozygotes.

Submission:

Labcorp Genetics (formerly Invitae), Labcorp
Classification: Uncertain significance. Last evaluated: 2021-12-18. Review status: criteria provided, single submitter. Criteria: Invitae Variant Classification Sherloc (09022015). Collection method: clinical testing. Allele origin: germline.
Comment: This sequence change replaces alanine, which is neutral and non-polar, with threonine, which is neutral and polar, at codon 353 of the PEPD protein (p.Ala353Thr). The frequency data for this variant in the population databases is considered unreliable, as metrics indicate poor data quality at this position in the gnomAD database. This variant has not been reported in the literature in individuals affected with PEPD-related conditions. Algorithms developed to predict the effect of missense changes on protein structure and function output the following: SIFT: "Tolerated"; PolyPhen-2: "Benign"; Align-GVGD: "Class C0". The threonine amino acid residue is found in multiple mammalian species, which suggests that this missense change does not adversely affect protein function. In summary, the available evidence is currently insufficient to determine the role of this variant in disease. Therefore, it has been classified as a Variant of Uncertain Significance.

NM_000285.4(PEPD):c.1057G>A (p.Ala353Thr)

Gene: PEPD (peptidase D; minus strand). Cytogenetic location: 19q13.11.
Variant type: single nucleotide variant.
Coding change: c.1057G>A on transcript NM_000285.4 (MANE Select); coding-DNA position 1057, G replaced by A.
Protein change: p.Ala353Thr; replaces alanine 353 with threonine.
Molecular consequence: missense variant.
Genome position (GRCh38, 1-based): chr19:33,391,390, C>T on the plus strand (G>A on the coding strand, the complement: PEPD is on the minus strand). VCF-style: chr19-33391390-C-T. GRCh37 (hg19) VCF-style: chr19-33882296-C-T.
Other names: c.934G>A, p.Ala312Thr (NM_001166056.2); c.865G>A, p.Ala289Thr (NM_001166057.2); short protein forms A312T, A353T, A289T.
Identifiers: ClinVar variation 1357340 (VCV001357340.3), dbSNP rs759402952, ClinGen allele CA9364021.